The following is an entry in ClinVar:

NM_004304.5(ALK):c.2736G>A (p.Lys912=)

Gene: ALK (ALK receptor tyrosine kinase; minus strand). Cytogenetic location: 2p23.2.
Variant type: single nucleotide variant.
Coding change: c.2736G>A on transcript NM_004304.5 (MANE Select); coding-DNA position 2736, G replaced by A.
Protein change: p.Lys912=; no amino-acid change (lysine 912 retained).
Molecular consequence: synonymous variant.
Genome position (GRCh38, 1-based): chr2:29,228,963, C>T on the plus strand (G>A on the coding strand, the complement: ALK is on the minus strand). VCF-style: chr2-29228963-C-T. GRCh37 (hg19) VCF-style: chr2-29451829-C-T.
Identifiers: ClinVar variation 705985 (VCV000705985.12), dbSNP rs1489025810, ClinGen allele CA425436407.

ClinVar aggregate classification (germline): Conflicting classifications of pathogenicity. Review status: criteria provided, conflicting classifications (1 of 4 stars). 3 submissions from 3 submitters: Uncertain significance (2); Likely benign (1). Last evaluated 2026-01-07.

Conditions:
Neuroblastoma, susceptibility to, 3. Also called: ALK-Related Neuroblastic Tumor Susceptibility. Identifiers: Orphanet 635, MedGen C2751681, MONDO:0013083, OMIM 613014.
Hereditary cancer-predisposing syndrome. Also called: Tumor predisposition; Hereditary neoplastic syndrome; Neoplastic Syndromes, Hereditary; Hereditary Cancer Syndrome. Identifiers: Orphanet 140162, MedGen C0027672, MeSH D009386, MONDO:0015356.

Allele frequency attached by ClinVar (database versions not stated): gnomAD exomes below 0.00001; TOPMed below 0.00001; gnomAD 0.00001.
gnomAD v4.1: 2 of 1,601,662 alleles (0.00012%); highest among the groups gnomAD compares: Admixed American, 0.0033%; no homozygotes.

Submissions (3):

Labcorp Genetics (formerly Invitae), Labcorp
Classification: Likely benign for Neuroblastoma, susceptibility to, 3. Last evaluated: 2026-01-07. Review status: criteria provided, single submitter. Criteria: Invitae Variant Classification Sherloc (09022015). Collection method: clinical testing. Allele origin: germline.

Ambry Genetics
Classification: Uncertain significance for Hereditary cancer-predisposing syndrome. Last evaluated: 2024-12-19. Review status: criteria provided, single submitter. Criteria: Ambry Variant Classification Scheme 2023. Collection method: clinical testing. Allele origin: germline.
Comment: The c.2736G>A variant (also known as p.K912K), located in coding exon 16 of the ALK gene, results from a G to A substitution at nucleotide position 2736. This nucleotide substitution does not change the lysine at codon 912. This nucleotide position is highly conserved in available vertebrate species. In silico splice site analysis for this alteration is inconclusive. Based on the available evidence, the clinical significance of this variant remains unclear.

GeneDx
Classification: Uncertain significance. Last evaluated: 2023-11-03. Review status: criteria provided, single submitter. Criteria: GeneDx Variant Classification Process June 2021. Collection method: clinical testing. Allele origin: germline. Affected: yes.
Comment: Not observed at significant frequency in large population cohorts (gnomAD); In silico analysis supports that this variant does not alter splicing; Has not been previously published as pathogenic or benign to our knowledge